The following is an entry in ClinVar:

NM_020822.3(KCNT1):c.2071G>A (p.Gly691Arg)

Gene: KCNT1 (potassium sodium-activated channel subfamily T member 1; plus strand). Cytogenetic location: 9q34.3.
Variant type: single nucleotide variant.
Coding change: c.2071G>A on transcript NM_020822.3 (MANE Select); coding-DNA position 2071, G replaced by A.
Protein change: p.Gly691Arg; replaces glycine 691 with arginine.
Molecular consequence: missense variant.
Genome position (GRCh38, 1-based): chr9:135,772,777, G>A. VCF-style: chr9-135772777-G-A. GRCh37 (hg19) VCF-style: chr9-138664623-G-A.
Other names: c.1936G>A, p.Gly646Arg (NM_001272003.2); short protein forms G646R, G691R.
Identifiers: ClinVar variation 1523433 (VCV001523433.10), dbSNP rs769596439, ClinGen allele CA5327181.

ClinVar aggregate classification (germline): Uncertain significance. Review status: criteria provided, multiple submitters, no conflicts (2 of 4 stars). 2 submissions from 2 submitters: Uncertain significance (2). Last evaluated 2024-12-16.

Conditions:
Developmental and epileptic encephalopathy, 14 (DEE14). Also called: Early infantile epileptic encephalopathy 14. Identifiers: Orphanet 293181, MedGen C3554195, MONDO:0013989, OMIM 614959.
Autosomal dominant nocturnal frontal lobe epilepsy 5. Also called: KCNT1-Related Epilepsy; Epilepsy, nocturnal frontal lobe, 5; CILIARY DYSKINESIA, PRIMARY, 28, WITHOUT SITUS INVERSUS; CILIARY DYSKINESIA, PRIMARY, 28, WITH SITUS INVERSUS. Identifiers: Orphanet 98784, MedGen C3554306, MONDO:0014002, OMIM 615005.

Allele frequency attached by ClinVar (database versions not stated): TOPMed 0.00001; gnomAD 0.00002; gnomAD exomes 0.00002.
gnomAD v4.1: 28 of 1,487,120 alleles (0.0019%); highest among the groups gnomAD compares: Admixed American, 0.0071%; no homozygotes.

Submissions (2):

Labcorp Genetics (formerly Invitae), Labcorp
Classification: Uncertain significance for Autosomal dominant nocturnal frontal lobe epilepsy 5; Developmental and epileptic encephalopathy, 14. Last evaluated: 2024-12-16. Review status: criteria provided, single submitter. Criteria: Invitae Variant Classification Sherloc (09022015). Collection method: clinical testing. Allele origin: germline.
Comment: This sequence change replaces glycine, which is neutral and non-polar, with arginine, which is basic and polar, at codon 691 of the KCNT1 protein (p.Gly691Arg). This variant is not present in population databases (gnomAD no frequency). This variant has not been reported in the literature in individuals affected with KCNT1-related conditions. ClinVar contains an entry for this variant (Variation ID: 1523433). Invitae Evidence Modeling of protein sequence and biophysical properties (such as structural, functional, and spatial information, amino acid conservation, physicochemical variation, residue mobility, and thermodynamic stability) indicates that this missense variant is not expected to disrupt KCNT1 protein function with a negative predictive value of 80%. In summary, the available evidence is currently insufficient to determine the role of this variant in disease. Therefore, it has been classified as a Variant of Uncertain Significance.

Revvity Omics, Revvity
Classification: Uncertain significance. Last evaluated: 2023-11-21. Review status: criteria provided, single submitter. Criteria: ACMG Guidelines, 2015. Collection method: clinical testing. Allele origin: germline.